The following is an entry in ClinVar:

ClinVar aggregate classification (germline): Uncertain significance (1 of 4 stars; one submission).

gnomAD v4.1: 24 of 1,614,028 alleles (0.0015%); highest among the groups gnomAD compares: Admixed American, 0.01%; no homozygotes.

Submission:

Labcorp Genetics (formerly Invitae), Labcorp
Classification: Uncertain significance. Last evaluated: 2025-08-31. Review status: criteria provided, single submitter. Criteria: Invitae Variant Classification Sherloc (09022015). Collection method: clinical testing. Allele origin: germline.
Comment: This sequence change replaces arginine, which is basic and polar, with histidine, which is basic and polar, at codon 73 of the TET2 protein (p.Arg73His). This variant is present in population databases (rs760280015, gnomAD 0.009%). This missense change has been observed in individual(s) with clinical features of TET2-related conditions (PMID: 35279121). An algorithm developed to predict the effect of missense changes on protein structure and function outputs the following: PolyPhen-2: "Benign". The histidine amino acid residue is found in multiple mammalian species, which suggests that this missense change does not adversely affect protein function. Algorithms developed to predict the effect of sequence changes on RNA splicing suggest that this variant may create or strengthen a splice site. In summary, the available evidence is currently insufficient to determine the role of this variant in disease. Therefore, it has been classified as a Variant of Uncertain Significance.

Literature cited by the submitters: PubMed 35279121.

NM_001127208.3(TET2):c.218G>A (p.Arg73His)

Genes: TET2 (tet methylcytosine dioxygenase 2; plus strand), TET2-AS1 (TET2 antisense RNA 1; minus strand). Cytogenetic location: 4q24.
Variant type: single nucleotide variant.
Coding change: c.218G>A on transcript NM_001127208.3 (MANE Select); coding-DNA position 218, G replaced by A.
Protein change: p.Arg73His; replaces arginine 73 with histidine.
Molecular consequence: missense variant.
Genome position (GRCh38, 1-based): chr4:105,234,160, G>A. VCF-style: chr4-105234160-G-A. GRCh37 (hg19) VCF-style: chr4-106155317-G-A.
Other names: c.218G>A, p.Arg73His (NM_017628.4); short protein forms R73H.
Identifiers: ClinVar variation 4810871 (VCV004810871.1).